The following is an entry in ClinVar:

NM_001253697.2(ERBIN):c.160G>C (p.Asp54His)

Gene: ERBIN (erbb2 interacting protein; plus strand). Cytogenetic location: 5q12.3.
Variant type: single nucleotide variant.
Coding change: c.160G>C on transcript NM_001253697.2 (MANE Select); coding-DNA position 160, G replaced by C.
Protein change: p.Asp54His; replaces aspartic acid 54 with histidine.
Molecular consequence: missense variant.
Genome position (GRCh38, 1-based): chr5:65,992,878, G>C. VCF-style: chr5-65992878-G-C. GRCh37 (hg19) VCF-style: chr5-65288706-G-C.
Other names: c.160G>C, p.Asp54His (NM_001006600.3, NM_001253698.2, NM_001253699.2 and 2 more transcripts); short protein forms D54H.
Identifiers: ClinVar variation 2116091 (VCV002116091.4), dbSNP rs368318786, ClinGen allele CA359972018.

ClinVar aggregate classification (germline): Uncertain significance (1 of 4 stars; one submission).

gnomAD v4.1: 1 of 1,606,954 alleles (0.000062%); highest among the groups gnomAD compares: Non-Finnish European, 0.000085%; no homozygotes.

Submission:

Labcorp Genetics (formerly Invitae), Labcorp
Classification: Uncertain significance. Last evaluated: 2022-03-23. Review status: criteria provided, single submitter. Criteria: Invitae Variant Classification Sherloc (09022015). Collection method: clinical testing. Allele origin: germline.
Comment: In summary, the available evidence is currently insufficient to determine the role of this variant in disease. Therefore, it has been classified as a Variant of Uncertain Significance. Algorithms developed to predict the effect of missense changes on protein structure and function are either unavailable or do not agree on the potential impact of this missense change (SIFT: "Deleterious"; PolyPhen-2: "Probably Damaging"; Align-GVGD: "Class C0"). This variant has not been reported in the literature in individuals affected with ERBIN-related conditions. This variant is not present in population databases (gnomAD no frequency). This sequence change replaces aspartic acid, which is acidic and polar, with histidine, which is basic and polar, at codon 54 of the ERBIN protein (p.Asp54His).